The following is an entry in ClinVar:

ClinVar aggregate classification (germline): Pathogenic/Likely pathogenic. Review status: criteria provided, multiple submitters, no conflicts (2 of 4 stars). 4 submissions from 4 submitters: Pathogenic (3); Likely pathogenic (1). Last evaluated 2024-07-07.

Conditions:
Intellectual developmental disorder, autosomal recessive 27. Also called: Mental retardation, autosomal recessive 27; Intellectual disability, autosomal recessive 27. Identifiers: Orphanet 88616, MedGen C3280538, MONDO:0013702, OMIM 614340.

Allele frequency attached by ClinVar (database versions not stated): TOPMed 0.00002; gnomAD exomes 0.00001; gnomAD 0.00001 and 0.00002; ExAC 0.00002; ESP Exome Variant Server 0.00015.
gnomAD v4.1: 21 of 1,610,626 alleles (0.0013%); highest among the groups gnomAD compares: Non-Finnish European, 0.0018%; no homozygotes.

Submissions (4):

GeneDx
Classification: Pathogenic. Last evaluated: 2024-07-07. Review status: criteria provided, single submitter. Criteria: GeneDx Variant Classification Process June 2021. Collection method: clinical testing. Allele origin: germline. Affected: yes.
Comment: Nonsense variant predicted to result in protein truncation or nonsense mediated decay in a gene for which loss of function is a known mechanism of disease; This variant is associated with the following publications: (PMID: 30090841)

Women's Health and Genetics/Laboratory Corporation of America, LabCorp
Classification: Likely pathogenic for Intellectual developmental disorder, autosomal recessive 27. Last evaluated: 2022-12-29. Review status: criteria provided, single submitter. Criteria: LabCorp Variant Classification Summary - May 2015. Collection method: clinical testing. Allele origin: germline.
Comment: Variant summary: LINS1 c.1178T>G (p.Leu393X) results in a premature termination codon, predicted to cause a truncation of the encoded protein or absence of the protein due to nonsense mediated decay, which are commonly known mechanisms for disease. Truncations downstream of this position have been classified as pathogenic in ClinVar and associated with intellectual disability in HGMD. The variant allele was found at a frequency of 1.2e-05 in 248400 control chromosomes. c.1178T>G has been reported in the literature in at least one individual affected with Worster-Drought syndrome and intellectual disability (McMillan_2018). To our knowledge, no experimental evidence demonstrating an impact on protein function has been reported. Three ClinVar submitters (evaluation after 2014) have cited the variant, and all laboratories classified the variant as pathogenic. Based on the evidence outlined above, the variant was classified as likely pathogenic.

Labcorp Genetics (formerly Invitae), Labcorp
Classification: Pathogenic. Last evaluated: 2021-02-24. Review status: criteria provided, single submitter. Criteria: Invitae Variant Classification Sherloc (09022015). Collection method: clinical testing. Allele origin: germline.
Comment: For these reasons, this variant has been classified as Pathogenic. Loss-of-function variants in LINS1 are known to be pathogenic (PMID: 21937992, 23773660). This variant has not been reported in the literature in individuals with LINS1-related disease. ClinVar contains an entry for this variant (Variation ID: 280510). This variant is present in population databases (rs149644940, ExAC 0.005%). This sequence change creates a premature translational stop signal (p.Leu393*) in the LINS1 gene. It is expected to result in an absent or disrupted protein product.

Genetic Services Laboratory, University of Chicago
Classification: Pathogenic for Mental retardation, autosomal recessive 27. Last evaluated: 2017-04-12. Review status: criteria provided, single submitter. Criteria: ACMG Guidelines, 2015. Collection method: clinical testing. Allele origin: germline. Affected: yes.

Literature cited by the submitters: PubMed 30090841 (cited by Women's Health and Genetics/Laboratory Corporation of America, LabCorp); PubMed 21937992 (cited by Labcorp Genetics (formerly Invitae), Labcorp); PubMed 23773660 (cited by Labcorp Genetics (formerly Invitae), Labcorp).

NM_001040616.3(LINS1):c.1178T>G (p.Leu393Ter)

Gene: LINS1 (lines homolog 1; minus strand). Cytogenetic location: 15q26.3.
Variant type: single nucleotide variant.
Coding change: c.1178T>G on transcript NM_001040616.3 (MANE Select); coding-DNA position 1178, T replaced by G.
Protein change: p.Leu393Ter; replaces leucine 393 with a stop codon.
Molecular consequence: nonsense. On other transcripts: non-coding transcript variant (3).
Genome position (GRCh38, 1-based): chr15:100,573,695, A>C on the plus strand (T>G on the coding strand, the complement: LINS1 is on the minus strand). VCF-style: chr15-100573695-A-C. GRCh37 (hg19) VCF-style: chr15-101113900-A-C.
Other names: c.431T>G, p.Leu144Ter (NM_001352507.2); c.1133T>G, p.Leu378Ter (NM_001352508.2); short protein forms L393*, L144*, L378*.
Identifiers: ClinVar variation 280510 (VCV000280510.19), dbSNP rs149644940, ClinGen allele CA7759514.